The following is an entry in ClinVar:

ClinVar aggregate classification (germline): Uncertain significance. Review status: criteria provided, multiple submitters, no conflicts (2 of 4 stars). 2 submissions from 2 submitters: Uncertain significance (2). Last evaluated 2025-10-14.

Conditions:
Brugada syndrome. Also called: Sudden unexplained nocturnal death syndrome; Sudden unexpected nocturnal death syndrome; Sudden Unexplained Death Syndrome; Sudden Unexplained Nocturnal Death Syndrome (SUNDS). Identifiers: Orphanet 130, MedGen C1142166, MONDO:0015263.

Allele frequency attached by ClinVar (database versions not stated): gnomAD exomes below 0.00001; TOPMed below 0.00001.

Submissions (2):

Ambry Genetics
Classification: Uncertain significance. Last evaluated: 2025-10-14. Review status: criteria provided, single submitter. Criteria: Ambry Variant Classification Scheme 2023. Collection method: clinical testing. Allele origin: germline.
Comment: The p.E313K variant (also known as c.937G>A), located in coding exon 9 of the SLMAP gene, results from a G to A substitution at nucleotide position 937. The glutamic acid at codon 313 is replaced by lysine, an amino acid with similar properties. This amino acid position is conserved. In addition, this alteration is predicted to be deleterious by in silico analysis. Based on the available evidence, the clinical significance of this variant remains unclear.

Labcorp Genetics (formerly Invitae), Labcorp
Classification: Uncertain significance for Brugada syndrome. Last evaluated: 2022-02-28. Review status: criteria provided, single submitter. Criteria: Invitae Variant Classification Sherloc (09022015). Collection method: clinical testing. Allele origin: germline.
Comment: Algorithms developed to predict the effect of missense changes on protein structure and function (SIFT, PolyPhen-2, Align-GVGD) all suggest that this variant is likely to be disruptive. In summary, the available evidence is currently insufficient to determine the role of this variant in disease. Therefore, it has been classified as a Variant of Uncertain Significance. This variant has not been reported in the literature in individuals affected with SLMAP-related conditions. This variant is present in population databases (no rsID available, gnomAD 0.0009%). This sequence change replaces glutamic acid, which is acidic and polar, with lysine, which is basic and polar, at codon 313 of the SLMAP protein (p.Glu313Lys).

NM_001377540.1(SLMAP):c.937G>A (p.Glu313Lys)

Gene: SLMAP (sarcolemma associated protein; plus strand). Cytogenetic location: 3p14.3.
Variant type: single nucleotide variant.
Coding change: c.937G>A on transcript NM_001377540.1 (MANE Select); coding-DNA position 937, G replaced by A.
Protein change: p.Glu313Lys; replaces glutamic acid 313 with lysine.
Molecular consequence: missense variant. On other transcripts: non-coding transcript variant (1).
Genome position (GRCh38, 1-based): chr3:57,862,057, G>A. VCF-style: chr3-57862057-G-A. GRCh37 (hg19) VCF-style: chr3-57847784-G-A.
Other names: c.937G>A (NM_007159.2); c.937G>A, p.Glu313Lys (NM_001304420.3, NM_001304421.2, NM_001377538.1 and 17 more transcripts); short protein forms E313K.
Identifiers: ClinVar variation 2166682 (VCV002166682.6), dbSNP rs1424987573, ClinGen allele CA353408044.